The following is an entry in ClinVar:

ClinVar aggregate classification (germline): Uncertain significance. Review status: criteria provided, multiple submitters, no conflicts (2 of 4 stars). 2 submissions from 2 submitters: Uncertain significance (2). Last evaluated 2024-11-05.

Conditions:
Peroxisome biogenesis disorder 2B (PBD2B). Identifiers: Orphanet 44, MedGen C3550234, MONDO:0008736, OMIM 202370.

Allele frequency attached by ClinVar (database versions not stated): TOPMed 0.00009; gnomAD 0.00012 and 0.00014.
gnomAD v4.1: 26 of 1,613,850 alleles (0.0016%); highest among the groups gnomAD compares: African/African-American, 0.035%; no homozygotes.

Submissions (2):

Labcorp Genetics (formerly Invitae), Labcorp
Classification: Uncertain significance for Peroxisome biogenesis disorder 2B. Last evaluated: 2024-11-05. Review status: criteria provided, single submitter. Criteria: Invitae Variant Classification Sherloc (09022015). Collection method: clinical testing. Allele origin: germline.
Comment: This sequence change replaces aspartic acid, which is acidic and polar, with glutamic acid, which is acidic and polar, at codon 465 of the PEX5 protein (p.Asp465Glu). This variant is present in population databases (rs772561166, gnomAD 0.03%). This variant has not been reported in the literature in individuals affected with PEX5-related conditions. ClinVar contains an entry for this variant (Variation ID: 497607). An algorithm developed to predict the effect of missense changes on protein structure and function (PolyPhen-2) suggests that this variant¬†is likely to be tolerated. In summary, the available evidence is currently insufficient to determine the role of this variant in disease. Therefore, it has been classified as a Variant of Uncertain Significance.

Eurofins Ntd Llc (ga)
Classification: Uncertain significance. Last evaluated: 2016-09-26. Review status: criteria provided, single submitter. Criteria: EGL Classification Definitions 2015. Collection method: clinical testing. Allele origin: germline. Observed: 1 variant allele, 1 heterozygote.

NM_001351132.2(PEX5):c.1395C>A (p.Asp465Glu)

Gene: PEX5 (peroxisomal biogenesis factor 5; plus strand). Cytogenetic location: 12p13.31.
Variant type: single nucleotide variant.
Coding change: c.1395C>A on transcript NM_001351132.2 (MANE Select); coding-DNA position 1395, C replaced by A.
Protein change: p.Asp465Glu; replaces aspartic acid 465 with glutamic acid.
Molecular consequence: missense variant.
Genome position (GRCh38, 1-based): chr12:7,209,005, C>A. VCF-style: chr12-7209005-C-A. GRCh37 (hg19) VCF-style: chr12-7361601-C-A.
Other names: c.1371C>A, p.Asp457Glu (NM_000319.5); c.1440C>A, p.Asp480Glu (NM_001131023.2); c.1284C>A, p.Asp428Glu (NM_001131024.2, NM_001351124.3, NM_001351126.2 and 7 more transcripts); c.1395C>A, p.Asp465Glu (NM_001131025.2, NM_001131026.2, NM_001300789.3 and 4 more transcripts); c.1329C>A, p.Asp443Glu (NM_001351135.3, NM_001351138.2); c.1386C>A, p.Asp462Glu (NM_001351136.2); c.1260C>A, p.Asp420Glu (NM_001351139.2, NM_001351140.2, NM_001374649.2); short protein forms D457E, D465E, D420E, D480E, D443E, D428E, D462E.
Identifiers: ClinVar variation 497607 (VCV000497607.8), dbSNP rs772561166, ClinGen allele CA6426458.
Genomic context (GRCh38, chr12:7,209,005, plus strand): 5'-GGGGGGATGGGAATAGAGACATTCATCTACCTACTTTGTGTTTTTTTCCTTTTCATCCAG[C>A]TCCCTGTTTCTTGAAGTGAAAGAGCTCTTCCTGGCAGCTGTGCGGCTGGACCCTACCTCC-3'
Protein context (NP_001338061.1, residues 455-475): SKRILGSLLS[Asp465Glu]SLFLEVKELF